The following is an entry in ClinVar:

NM_001127222.2(CACNA1A):c.2105-15C>T

Gene: CACNA1A (calcium voltage-gated channel subunit alpha1 A; minus strand). Cytogenetic location: 19p13.13.
Variant type: single nucleotide variant.
Coding change: c.2105-15C>T on transcript NM_001127222.2 (MANE Select); 15 bases into the intron before coding-DNA position 2105, C replaced by T.
Molecular consequence: intron variant.
Genome position (GRCh38, 1-based): chr19:13,303,628, G>A on the plus strand (C>T on the coding strand, the complement: CACNA1A is on the minus strand). VCF-style: chr19-13303628-G-A. GRCh37 (hg19) VCF-style: chr19-13414442-G-A.
Other names: c.2108-15C>T (NM_001127221.2, NM_001174080.2, NM_000068.4 and 1 more transcripts).
Identifiers: ClinVar variation 451872 (VCV000451872.12), dbSNP rs190471428, ClinGen allele CA9240625.

ClinVar aggregate classification (germline): Conflicting classifications of pathogenicity. Review status: criteria provided, conflicting classifications (1 of 4 stars). 4 submissions from 4 submitters: Uncertain significance (2); Likely benign (2). Last evaluated 2026-01-08.

Conditions:
Episodic ataxia type 2 (EA2). Also called: EPISODIC ATAXIA, NYSTAGMUS-ASSOCIATED; ACETAZOLAMIDE-RESPONSIVE HEREDITARY PAROXYSMAL CEREBELLAR ATAXIA; ATAXIA, EPISODIC, WITH NYSTAGMUS; ATAXIA, FAMILIAL PAROXYSMAL; CEREBELLAR ATAXIA, PAROXYSMAL, ACETAZOLAMIDE-RESPONSIVE; CEREBELLOPATHY, HEREDITARY PAROXYSMAL. Identifiers: Orphanet 97, MedGen C1720416, MONDO:0007163, OMIM 108500.
Developmental and epileptic encephalopathy, 42 (DEE42A). Also called: Epileptic encephalopathy, early infantile, 42; DEVELOPMENTAL AND EPILEPTIC ENCEPHALOPATHY 42A; EPILEPTIC ENCEPHALOPATHY, EARLY INFANTILE, 42A. Identifiers: MedGen C4310716, MONDO:0014917, OMIM 617106.
Migraine, familial hemiplegic, 1. Also called: MIGRAINE, FAMILIAL HEMIPLEGIC 1, WITH PROGRESSIVE CEREBELLAR ATAXIA. Identifiers: Orphanet 569, MedGen C1832884, MONDO:0020756, OMIM 141500, MONDO:0007714.
Spinocerebellar ataxia type 6 (SCA6). Identifiers: Orphanet 98758, MedGen C0752124, MONDO:0008457, OMIM 183086.

Allele frequency attached by ClinVar (database versions not stated): gnomAD 0.00009 and 0.00010; TOPMed 0.00009; gnomAD exomes 0.00010; ExAC 0.00011; 1000 Genomes Project 30x 0.00016; 1000 Genomes Project 0.00020.
gnomAD v4.1: 163 of 1,611,592 alleles (0.01%); highest among the groups gnomAD compares: East Asian, 0.02%; no homozygotes.

Submissions (4):

Labcorp Genetics (formerly Invitae), Labcorp
Classification: Likely benign for Developmental and epileptic encephalopathy, 42; Episodic ataxia type 2. Last evaluated: 2026-01-08. Review status: criteria provided, single submitter. Criteria: Invitae Variant Classification Sherloc (09022015). Collection method: clinical testing. Allele origin: germline.

Blueprint Genetics
Classification: Likely benign. Last evaluated: 2024-10-14. Review status: criteria provided, single submitter. Criteria: ACMG Guidelines, 2015. Collection method: clinical testing. Allele origin: germline.

Fulgent Genetics
Classification: Uncertain significance for Episodic ataxia type 2; Migraine, familial hemiplegic, 1; Spinocerebellar ataxia type 6; Developmental and epileptic encephalopathy, 42. Last evaluated: 2018-10-31. Review status: criteria provided, single submitter. Criteria: ACMG Guidelines, 2015. Collection method: clinical testing. Allele origin: unknown.

GeneDx
Classification: Uncertain significance. Last evaluated: 2017-09-06. Review status: criteria provided, single submitter. Criteria: GeneDx Variant Classification (06012015). Collection method: clinical testing. Allele origin: germline. Affected: yes.
Comment: A variant of uncertain significance has been identified in the CACNA1A gene. The c.2108-15 C>T variant has not been published as a pathogenic variant, nor has it been reported as a benign variant to our knowledge. The c.2108-15 C>T variant is observed in 2/6926 (0.03%) alleles from individuals of East Asian background (Lek et al., 2016; 1000 Genomes Consortium et al., 2015; Exome Variant Server). This substitution occurs at a position that is conserved in mammals. In-silico splice prediction models are not informative as to whether this variant will affect gene splicing. Additionally, in the absence of RNA/functional studies, the actual effect of this sequence change in this individual is unknown. Therefore, based on the currently available information, it is unclear whether this variant is a pathogenic variant or a rare benign variant.